The following is an entry in ClinVar:

NM_003396.3(WNT9B):c.335-7G>C

Genes: LRRC37A2 (leucine rich repeat containing 37 member A2), WNT9B (Wnt family member 9B; plus strand). Cytogenetic location: 17q21.32.
Variant type: single nucleotide variant.
Coding change: c.335-7G>C on transcript NM_003396.3 (MANE Select); 7 bases into the intron before coding-DNA position 335, G replaced by C.
Molecular consequence: intron variant.
Genome position (GRCh38, 1-based): chr17:46,875,094, G>C. VCF-style: chr17-46875094-G-C. GRCh37 (hg19) VCF-style: chr17-44952460-G-C.
Other names: c.335-7G>C (NM_001320458.2).
Identifiers: ClinVar variation 3040399 (VCV003040399.2), dbSNP rs762778303, ClinGen allele CA8620875.

ClinVar aggregate classification (germline): Likely benign (0 of 4 stars; one submission).

Conditions:
WNT9B-related disorder. Also called: WNT9B-related condition.

Allele frequency attached by ClinVar (database versions not stated): gnomAD 0.00002; TOPMed 0.00002; ExAC 0.00003.
gnomAD v4.1: 48 of 1,613,386 alleles (0.003%); highest among the groups gnomAD compares: Non-Finnish European, 0.0041%; no homozygotes.

Submission:

PreventionGenetics, part of Exact Sciences
Classification: Likely benign for WNT9B-related condition. Last evaluated: 2019-09-19. Review status: no assertion criteria provided. Collection method: clinical testing. Allele origin: germline.
Comment: This variant is classified as likely benign based on ACMG/AMP sequence variant interpretation guidelines (Richards et al. 2015 PMID: 25741868, with internal and published modifications).